The following is an entry in ClinVar:

NM_000017.4(ACADS):c.842G>T (p.Gly281Val)

Gene: ACADS (acyl-CoA dehydrogenase short chain; plus strand). Cytogenetic location: 12q24.31.
Variant type: single nucleotide variant.
Coding change: c.842G>T on transcript NM_000017.4 (MANE Select); coding-DNA position 842, G replaced by T.
Protein change: p.Gly281Val; replaces glycine 281 with valine.
Molecular consequence: missense variant.
Genome position (GRCh38, 1-based): chr12:120,738,579, G>T. VCF-style: chr12-120738579-G-T. GRCh37 (hg19) VCF-style: chr12-121176382-G-T.
Other names: c.830G>T, p.Gly277Val (NM_001302554.2); short protein forms G277V, G281V.
Identifiers: ClinVar variation 2902290 (VCV002902290.3), dbSNP rs762083095, ClinGen allele CA6831093.

ClinVar aggregate classification (germline): Uncertain significance (1 of 4 stars; one submission).

Conditions:
Deficiency of butyryl-CoA dehydrogenase (ACADSD). Also called: SCADH DEFICIENCY; ACADS DEFICIENCY; Short-Chain Acyl-CoA Dehydrogenase Deficiency; SCAD DEFICIENCY, MILD; ACYL-CoA DEHYDROGENASE, SHORT-CHAIN, DEFICIENCY OF; SCAD Deficiency. Identifiers: Orphanet 26792, MedGen C0342783, MONDO:0008722, OMIM 201470. Disease mechanism: May be benign.

gnomAD v4.1: 6 of 1,612,606 alleles (0.00037%); highest among the groups gnomAD compares: Non-Finnish European, 0.00042%; no homozygotes.

Submission:

Labcorp Genetics (formerly Invitae), Labcorp
Classification: Uncertain significance for Deficiency of butyryl-CoA dehydrogenase. Last evaluated: 2023-10-17. Review status: criteria provided, single submitter. Criteria: Invitae Variant Classification Sherloc (09022015). Collection method: clinical testing. Allele origin: germline.
Comment: This sequence change replaces glycine, which is neutral and non-polar, with valine, which is neutral and non-polar, at codon 281 of the ACADS protein (p.Gly281Val). This variant is present in population databases (rs762083095, gnomAD 0.005%). This variant has not been reported in the literature in individuals affected with ACADS-related conditions. Advanced modeling of protein sequence and biophysical properties (such as structural, functional, and spatial information, amino acid conservation, physicochemical variation, residue mobility, and thermodynamic stability) performed at Invitae indicates that this missense variant is expected to disrupt ACADS protein function with a positive predictive value of 95%. In summary, the available evidence is currently insufficient to determine the role of this variant in disease. Therefore, it has been classified as a Variant of Uncertain Significance.